The following is an entry in ClinVar:

NM_001783.4(CD79A):c.269C>T (p.Thr90Met)

Genes: CD79A (CD79a molecule; plus strand), RPS19-CD79A (RPS19-CD79A readthrough; plus strand). Cytogenetic location: 19q13.2.
Variant type: single nucleotide variant.
Coding change: c.269C>T on transcript NM_001783.4 (MANE Select); coding-DNA position 269, C replaced by T.
Protein change: p.Thr90Met; replaces threonine 90 with methionine.
Molecular consequence: missense variant. On other transcripts: intron variant (1).
Genome position (GRCh38, 1-based): chr19:41,879,179, C>T. VCF-style: chr19-41879179-C-T. GRCh37 (hg19) VCF-style: chr19-42383249-C-T.
Other names: c.265+4C>T (NM_021601.4); short protein forms T90M.
Identifiers: ClinVar variation 582606 (VCV000582606.8), dbSNP rs137953079, ClinGen allele CA9465551.

ClinVar aggregate classification (germline): Uncertain significance. Review status: criteria provided, multiple submitters, no conflicts (2 of 4 stars). 2 submissions from 2 submitters: Uncertain significance (2). Last evaluated 2023-12-11.

Conditions:
Agammaglobulinemia 3, autosomal recessive (AGM3). Also called: AGAMMAGLOBULINEMIA 3; AGAMMAGLOBULINEMIA, AUTOSOMAL RECESSIVE, DUE TO CD79A DEFECT. Identifiers: MedGen C3150751, MONDO:0013288, OMIM 613501.

Allele frequency attached by ClinVar (database versions not stated): ExAC 0.00007; gnomAD exomes 0.00008; ESP Exome Variant Server 0.00023; gnomAD 0.00027 and 0.00028; TOPMed 0.00029; 1000 Genomes Project 30x 0.00031; 1000 Genomes Project 0.00040.
gnomAD v4.1: 78 of 1,613,954 alleles (0.0048%); highest among the groups gnomAD compares: African/African-American, 0.076%; no homozygotes.

Submissions (2):

Labcorp Genetics (formerly Invitae), Labcorp
Classification: Uncertain significance for Agammaglobulinemia 3, autosomal recessive. Last evaluated: 2023-12-11. Review status: criteria provided, single submitter. Criteria: Invitae Variant Classification Sherloc (09022015). Collection method: clinical testing. Allele origin: germline.
Comment: This sequence change replaces threonine, which is neutral and polar, with methionine, which is neutral and non-polar, at codon 90 of the CD79A protein (p.Thr90Met). This variant is present in population databases (rs137953079, gnomAD 0.07%). This variant has not been reported in the literature in individuals affected with CD79A-related conditions. ClinVar contains an entry for this variant (Variation ID: 582606). An algorithm developed to predict the effect of missense changes on protein structure and function (PolyPhen-2) suggests that this variant is likely to be disruptive. In summary, the available evidence is currently insufficient to determine the role of this variant in disease. Therefore, it has been classified as a Variant of Uncertain Significance.

Baylor Genetics
Classification: Uncertain significance for Agammaglobulinemia 3, autosomal recessive. Last evaluated: 2018-02-06. Review status: criteria provided, single submitter. Criteria: ACMG Guidelines, 2015. Collection method: clinical testing. Allele origin: maternal. Affected: yes.
Comment: This variant was determined to be of uncertain significance according to ACMG Guidelines, 2015 [PMID:25741868].